The following is an entry in ClinVar:

NM_000059.4(BRCA2):c.6320C>T (p.Pro2107Leu)

Gene: BRCA2 (BRCA2 DNA repair associated; plus strand). Cytogenetic location: 13q13.1.
Variant type: single nucleotide variant.
Coding change: c.6320C>T on transcript NM_000059.4 (MANE Select); coding-DNA position 6320, C replaced by T.
Protein change: p.Pro2107Leu; replaces proline 2107 with leucine.
Molecular consequence: missense variant.
Genome position (GRCh38, 1-based): chr13:32,340,675, C>T. VCF-style: chr13-32340675-C-T. GRCh37 (hg19) VCF-style: chr13-32914812-C-T.
Other names: c.6320C>T, p.Pro2107Leu (NM_001406719.1, NM_001406720.1); short protein forms P2107L.
Identifiers: ClinVar variation 1752849 (VCV001752849.9), dbSNP rs2072552266, ClinGen allele CA387789065.

ClinVar aggregate classification (germline): Conflicting classifications of pathogenicity. Review status: criteria provided, conflicting classifications (1 of 4 stars). 3 submissions from 3 submitters: Uncertain significance (2); Likely benign (1). Last evaluated 2023-03-23.

Conditions:
Hereditary breast ovarian cancer syndrome. Also called: Hereditary breast and ovarian cancer syndrome (HBOC); Hereditary breast and ovarian cancer; BRCA1- and BRCA2-Associated Hereditary Breast and Ovarian Cancer; Hereditary breast and ovarian cancer syndrome; Breast and ovarian cancer; Hereditary breast and/or ovarian cancer syndrome. Identifiers: Orphanet 145, MedGen C0677776, MeSH D061325, MONDO:0003582. Disease mechanism: loss of function.
Hereditary cancer-predisposing syndrome. Also called: Neoplastic Syndromes, Hereditary; Tumor predisposition; Hereditary Cancer Syndrome; Hereditary neoplastic syndrome. Identifiers: Orphanet 140162, MedGen C0027672, MeSH D009386, MONDO:0015356.

Submissions (3):

University of Washington Department of Laboratory Medicine, University of Washington
Classification: Likely benign for Hereditary cancer-predisposing syndrome. Last evaluated: 2023-03-23. Review status: criteria provided, single submitter. Criteria: Dines et al. (Genet Med. 2020). Collection method: curation. Allele origin: germline.
Comment: Missense variant in a coldspot region where missense variants are very unlikely to be pathogenic (PMID:31911673).

BRCA2 exon 11 coldspot. Reclassification based on statistical prior probability.

Labcorp Genetics (formerly Invitae), Labcorp
Classification: Uncertain significance for Hereditary breast ovarian cancer syndrome. Last evaluated: 2022-06-13. Review status: criteria provided, single submitter. Criteria: Invitae Variant Classification Sherloc (09022015). Collection method: clinical testing. Allele origin: germline.
Comment: In summary, the available evidence is currently insufficient to determine the role of this variant in disease. Therefore, it has been classified as a Variant of Uncertain Significance. Advanced modeling of protein sequence and biophysical properties (such as structural, functional, and spatial information, amino acid conservation, physicochemical variation, residue mobility, and thermodynamic stability) performed at Invitae indicates that this missense variant is not expected to disrupt BRCA2 protein function. This variant has not been reported in the literature in individuals affected with BRCA2-related conditions. This variant is not present in population databases (gnomAD no frequency). This sequence change replaces proline, which is neutral and non-polar, with leucine, which is neutral and non-polar, at codon 2107 of the BRCA2 protein (p.Pro2107Leu).

Ambry Genetics
Classification: Uncertain significance for Hereditary cancer-predisposing syndrome. Last evaluated: 2021-06-22. Review status: criteria provided, single submitter. Criteria: Ambry Variant Classification Scheme 2023. Collection method: clinical testing. Allele origin: germline.
Comment: The p.P2107L variant (also known as c.6320C>T), located in coding exon 10 of the BRCA2 gene, results from a C to T substitution at nucleotide position 6320. The proline at codon 2107 is replaced by leucine, an amino acid with similar properties. This amino acid position is not well conserved in available vertebrate species. In addition, this alteration is predicted to be tolerated by in silico analysis. Since supporting evidence is limited at this time, the clinical significance of this alteration remains unclear.